The following is an entry in ClinVar:

NM_004444.5(EPHB4):c.2353C>T (p.Arg785Ter)

Genes: EPHB4 (EPH receptor B4; minus strand), LOC126860124 (CDK7 strongly-dependent group 2 enhancer GRCh37_chr7:100403701-100404900; plus strand). Cytogenetic location: 7q22.1.
Variant type: single nucleotide variant.
Coding change: c.2353C>T on transcript NM_004444.5 (MANE Select); coding-DNA position 2353, C replaced by T.
Protein change: p.Arg785Ter; replaces arginine 785 with a stop codon.
Molecular consequence: nonsense.
Genome position (GRCh38, 1-based): chr7:100,806,551, G>A on the plus strand (C>T on the coding strand, the complement: EPHB4 is on the minus strand). VCF-style: chr7-100806551-G-A. GRCh37 (hg19) VCF-style: chr7-100404173-G-A.
Other names: short protein forms R785*.
Identifiers: ClinVar variation 2630509 (VCV002630509.6), dbSNP rs1562967226, ClinGen allele CA368567910.

ClinVar aggregate classification (germline): Pathogenic/Likely pathogenic. Review status: criteria provided, multiple submitters, no conflicts (2 of 4 stars). 3 submissions from 3 submitters: Pathogenic (1); Likely pathogenic (2). Last evaluated 2025-12-28.

Conditions:
Lymphatic malformation 7 (LMPHM7). Also called: Hydrops fetalis, nonimmune, and/or atrial septal defect, susceptibility to. Identifiers: MedGen C4310629, MONDO:0015009, OMIM 617300.
Capillary malformation-arteriovenous malformation 2 (CMAVM2). Identifiers: Orphanet 693912, MedGen C4748670, MONDO:0020785, OMIM 618196.
EPHB4-related disorder. Also called: EPHB4-related condition; EPHB4-related disorders.

gnomAD v4.1: 3 of 1,613,814 alleles (0.00019%); highest among the groups gnomAD compares: Non-Finnish European, 0.00025%; no homozygotes.

Submissions (3):

Labcorp Genetics (formerly Invitae), Labcorp
Classification: Pathogenic. Last evaluated: 2025-12-28. Review status: criteria provided, single submitter. Criteria: Invitae Variant Classification Sherloc (09022015). Collection method: clinical testing. Allele origin: germline.
Comment: This sequence change creates a premature translational stop signal (p.Arg785*) in the EPHB4 gene. It is expected to result in an absent or disrupted protein product. Loss-of-function variants in EPHB4 are known to be pathogenic (PMID: 28687708). This variant is not present in population databases (gnomAD no frequency). This variant has not been reported in the literature in individuals affected with EPHB4-related conditions. ClinVar contains an entry for this variant (Variation ID: 2630509). For these reasons, this variant has been classified as Pathogenic.

PreventionGenetics, part of Exact Sciences
Classification: Likely pathogenic for EPHB4-related condition. Last evaluated: 2023-02-14. Review status: criteria provided, single submitter. Criteria: ACMG Guidelines, 2015. Collection method: clinical testing. Allele origin: germline.
Comment: The EPHB4 c.2353C>T variant is predicted to result in premature protein termination (p.Arg785*). To our knowledge, this variant has not been reported in the literature or in a large population database, indicating this variant is rare. Nonsense variants in EPHB4 are expected to be pathogenic. This variant is interpreted as likely pathogenic.

Juno Genomics, Hangzhou Juno Genomics, Inc
Classification: Likely pathogenic for Capillary malformation-arteriovenous malformation 2; Lymphatic malformation 7. Review status: criteria provided, single submitter. Criteria: ACMG Guidelines, 2015. Collection method: clinical testing. Allele origin: germline.
Comment: Null variant in a gene where loss of function (LOF) is a known mechanism of disease.;Absent from controls (or at extremely low frequency if recessive) in Genome Aggregation Database.

Literature cited by the submitters: PubMed 28687708 (cited by Labcorp Genetics (formerly Invitae), Labcorp).